The following is an entry in ClinVar:

NM_182641.4(BPTF):c.638G>C (p.Arg213Pro)

Gene: BPTF (bromodomain PHD finger transcription factor; plus strand). Cytogenetic location: 17q24.2.
Variant type: single nucleotide variant.
Coding change: c.638G>C on transcript NM_182641.4 (MANE Select); coding-DNA position 638, G replaced by C.
Protein change: p.Arg213Pro; replaces arginine 213 with proline.
Molecular consequence: missense variant.
Genome position (GRCh38, 1-based): chr17:67,853,964, G>C. VCF-style: chr17-67853964-G-C. GRCh37 (hg19) VCF-style: chr17-65850080-G-C.
Other names: c.638G>C, p.Arg213Pro (NM_001439139.1, NM_001439140.1, NM_001439141.1 and 4 more transcripts); short protein forms R213P.
Identifiers: ClinVar variation 4086284 (VCV004086284.1).
Genomic context (GRCh38, chr17:67,853,964, plus strand): 5'-TATTGATTTGTAATGATGTCACGTCTTTATCTACAGGTAGGCGAAAACCAAGAGTACATC[G>C]GCCTCGTTCTCCTATATTGGAAGAAAAAGACATCCCGCCCCTTGAATTTCCCAAGTCCTC-3'
Protein context (NP_872579.2, residues 203-223): TPGRRKPRVH[Arg213Pro]PRSPILEEKD

ClinVar aggregate classification (germline): Uncertain significance (1 of 4 stars; one submission).

Submission:

GeneDx
Classification: Uncertain significance. Last evaluated: 2025-03-16. Review status: criteria provided, single submitter. Criteria: GeneDx Variant Classification Process June 2021. Collection method: clinical testing. Allele origin: germline. Affected: yes.
Comment: Not observed at significant frequency in large population cohorts (gnomAD); In silico analysis supports that this missense variant has a deleterious effect on protein structure/function; Has not been previously published as pathogenic or benign to our knowledge.